The following is an entry in ClinVar:

ClinVar aggregate classification (germline): Likely benign (1 of 4 stars; one submission).

Conditions:
BMP6-related disorder. Also called: BMP6-related condition.

gnomAD v4.1: 87 of 1,200,126 alleles (0.0072%); highest among the groups gnomAD compares: Admixed American, 0.037%; 1 homozygote.

Submission:

PreventionGenetics, part of Exact Sciences
Classification: Likely benign for BMP6-related condition. Last evaluated: 2024-10-04. Review status: criteria provided, single submitter. Criteria: ACMG Guidelines, 2015. Collection method: clinical testing. Allele origin: germline.
Comment: This variant is classified as likely benign based on ACMG/AMP sequence variant interpretation guidelines (Richards et al. 2015 PMID: 25741868, with internal and published modifications).

NM_001718.6(BMP6):c.105G>A (p.Ala35=)

Gene: BMP6 (bone morphogenetic protein 6; plus strand). Cytogenetic location: 6p24.3.
Variant type: single nucleotide variant.
Coding change: c.105G>A on transcript NM_001718.6 (MANE Select); coding-DNA position 105, G replaced by A.
Protein change: p.Ala35=; no amino-acid change (alanine 35 retained).
Molecular consequence: synonymous variant.
Genome position (GRCh38, 1-based): chr6:7,727,060, G>A. VCF-style: chr6-7727060-G-A. GRCh37 (hg19) VCF-style: chr6-7727293-G-A.
Identifiers: ClinVar variation 4978666 (VCV004978666.1).
Genomic context (GRCh38, chr6:7,727,060, plus strand): 5'-GGGGCTGCTGTGCAGCTGCTGCGGGCCCCCGCCGCTGCGGCCGCCCTTGCCCGCTGCCGC[G>A]GCCGCCGCCGCCGGGGGGCAGCTGCTGGGGGACGGCGGGAGCCCCGGCCGCACGGAGCAG-3'
Protein context (NP_001709.1, residues 25-45): PPLRPPLPAA[Ala35=]AAAAGGQLLG